The following is an entry in ClinVar:

ClinVar aggregate classification (germline): Uncertain significance (1 of 4 stars; one submission).

Conditions:
Inborn genetic diseases. Identifiers: MedGen C0950123, MeSH D030342.

Submission:

Ambry Genetics
Classification: Uncertain significance for Inborn genetic diseases. Last evaluated: 2026-04-12. Review status: criteria provided, single submitter. Criteria: Ambry Variant Classification Scheme 2023. Collection method: clinical testing. Allele origin: germline.
Comment: The p.S1105T variant (also known as c.3314G>C), located in coding exon 14 of the FANCM gene, results from a G to C substitution at nucleotide position 3314. The serine at codon 1105 is replaced by threonine, an amino acid with similar properties. This amino acid position is conserved. In addition, this alteration is predicted to be tolerated by in silico analysis. Based on the available evidence, the clinical significance of this variant remains unclear.

NM_020937.4(FANCM):c.3314G>C (p.Ser1105Thr)

Gene: FANCM (FA complementation group M; plus strand). Cytogenetic location: 14q21.2.
Variant type: single nucleotide variant.
Coding change: c.3314G>C on transcript NM_020937.4 (MANE Select); coding-DNA position 3314, G replaced by C.
Protein change: p.Ser1105Thr; replaces serine 1105 with threonine.
Molecular consequence: missense variant.
Genome position (GRCh38, 1-based): chr14:45,176,068, G>C. VCF-style: chr14-45176068-G-C. GRCh37 (hg19) VCF-style: chr14-45645271-G-C.
Other names: c.3236G>C, p.Ser1079Thr (NM_001308133.2); short protein forms S1079T, S1105T.
Identifiers: ClinVar variation 4871080 (VCV004871080.1).
Genomic context (GRCh38, chr14:45,176,068, plus strand): 5'-TACATAAACATAATCAAAATGAAAATTTAGTACCTAACAATCGTGTTCAAATACACAGAA[G>C]CCCTGCACAGAATTTAGTTGGAGAGAACAATCATGATGTTGATAACAGTGACCTCCCAGT-3'
Protein context (NP_065988.1, residues 1095-1115): VPNNRVQIHR[Ser1105Thr]PAQNLVGENN